The following is an entry in ClinVar:

NM_020774.4(MIB1):c.1322A>G (p.Asn441Ser)

Gene: MIB1 (MIB E3 ubiquitin protein ligase 1; plus strand). Cytogenetic location: 18q11.2.
Variant type: single nucleotide variant.
Coding change: c.1322A>G on transcript NM_020774.4 (MANE Select); coding-DNA position 1322, A replaced by G.
Protein change: p.Asn441Ser; replaces asparagine 441 with serine.
Molecular consequence: missense variant.
Genome position (GRCh38, 1-based): chr18:21,799,925, A>G. VCF-style: chr18-21799925-A-G. GRCh37 (hg19) VCF-style: chr18-19379886-A-G.
Other names: c.1322A>G (NM_020774.2); short protein forms N441S.
Identifiers: ClinVar variation 180407 (VCV000180407.6), dbSNP rs730880135, ClinGen allele CA346442.

ClinVar aggregate classification (germline): Uncertain significance. Review status: criteria provided, multiple submitters, no conflicts (2 of 4 stars). 3 submissions from 3 submitters: Uncertain significance (3). Last evaluated 2025-05-03.

Conditions:
Inborn genetic diseases. Identifiers: MedGen C0950123, MeSH D030342.

Allele frequency attached by ClinVar (database versions not stated): ExAC 0.00002; TOPMed 0.00002.
gnomAD v4.1: 15 of 1,612,358 alleles (0.00093%); highest among the groups gnomAD compares: Middle Eastern, 0.016%; no homozygotes.

Submissions (3):

Ambry Genetics
Classification: Uncertain significance for Inborn genetic diseases. Last evaluated: 2025-05-03. Review status: criteria provided, single submitter. Criteria: Ambry Variant Classification Scheme 2023. Collection method: clinical testing. Allele origin: germline.
Comment: The p.N441S variant (also known as c.1322A>G), located in coding exon 9 of the MIB1 gene, results from an A to G substitution at nucleotide position 1322. The asparagine at codon 441 is replaced by serine, an amino acid with highly similar properties. This amino acid position is conserved. In addition, this alteration is predicted to be tolerated by in silico analysis. Since supporting evidence is limited at this time, the clinical significance of this alteration remains unclear.

Blueprint Genetics
Classification: Uncertain significance. Last evaluated: 2024-09-05. Review status: criteria provided, single submitter. Criteria: ACMG Guidelines, 2015. Collection method: clinical testing. Allele origin: germline.

GeneDx
Classification: Uncertain significance. Last evaluated: 2017-08-17. Review status: criteria provided, single submitter. Criteria: GeneDx Variant Classification (06012015). Collection method: clinical testing. Allele origin: germline. Affected: yes.
Comment: A variant of uncertain significance has been identified in the MIB1 gene. The N441S variant has not been published as pathogenic or been reported as benign to our knowledge. This variant is not observed at a significant frequency in large population cohorts (Lek et al., 2016; 1000 Genomes Consortium et al., 2015; Exome Variant Server). This substitution occurs at a position that is conserved across species, and in silico analysis suggests that this variant is probably damaging to the protein structure/function. However, the N441S variant is a conservative amino acid substitution, which is not likely to impact secondary protein structure as these residues share similar properties.